The following is an entry in ClinVar:

ClinVar aggregate classification (germline): Uncertain significance (1 of 4 stars; one submission).

Conditions:
Ullrich congenital muscular dystrophy 2 (UCMD2). Identifiers: Orphanet 75840, MedGen C4225314, MONDO:0014654, OMIM 616470.
Bethlem myopathy 2 (BTHLM2). Identifiers: Orphanet 536516, Orphanet 610, MedGen C4225313, MONDO:0034022, OMIM 616471.

Submission:

Labcorp Genetics (formerly Invitae), Labcorp
Classification: Uncertain significance for Bethlem myopathy 2; Ullrich congenital muscular dystrophy 2. Last evaluated: 2024-11-27. Review status: criteria provided, single submitter. Criteria: Invitae Variant Classification Sherloc (09022015). Collection method: clinical testing. Allele origin: germline.
Comment: This sequence change replaces valine, which is neutral and non-polar, with aspartic acid, which is acidic and polar, at codon 675 of the COL12A1 protein (p.Val675Asp). This variant is not present in population databases (gnomAD no frequency). This variant has not been reported in the literature in individuals affected with COL12A1-related conditions. Invitae Evidence Modeling of protein sequence and biophysical properties (such as structural, functional, and spatial information, amino acid conservation, physicochemical variation, residue mobility, and thermodynamic stability) indicates that this missense variant is not expected to disrupt COL12A1 protein function with a negative predictive value of 80%. In summary, the available evidence is currently insufficient to determine the role of this variant in disease. Therefore, it has been classified as a Variant of Uncertain Significance.

NM_004370.6(COL12A1):c.2024T>A (p.Val675Asp)

Gene: COL12A1 (collagen type XII alpha 1 chain; minus strand). Cytogenetic location: 6q13.
Variant type: single nucleotide variant.
Coding change: c.2024T>A on transcript NM_004370.6 (MANE Select); coding-DNA position 2024, T replaced by A.
Protein change: p.Val675Asp; replaces valine 675 with aspartic acid.
Molecular consequence: missense variant. On other transcripts: intron variant (2).
Genome position (GRCh38, 1-based): chr6:75,181,079, A>T on the plus strand (T>A on the coding strand, the complement: COL12A1 is on the minus strand). VCF-style: chr6-75181079-A-T. GRCh37 (hg19) VCF-style: chr6-75890795-A-T.
Other names: c.2024T>A, p.Val675Asp (NM_001424113.1, NM_001424114.1, NM_001424115.1); c.73+21641T>A (NM_001424116.1, NM_080645.3); short protein forms V675D.
Identifiers: ClinVar variation 3756078 (VCV003756078.2).
Genomic context (GRCh38, chr6:75,181,079, plus strand): 5'-GTCTCTGGCTTCAGGCTGCTGAGAACAACACTGGTGCTCGATGCTGGCTCCACCACAGTG[A>T]CCTCATCATCCCCAGCCGCTTCCTTGTAGGTGATGTGATATGAAAAAACATTTTCTCCAG-3'
Protein context (NP_004361.3, residues 665-685): TYKEAAGDDE[Val675Asp]TVVEPASSTS